The following is an entry in ClinVar:

ClinVar aggregate classification (germline): Uncertain significance. Review status: criteria provided, multiple submitters, no conflicts (2 of 4 stars). 2 submissions from 2 submitters: Uncertain significance (2). Last evaluated 2022-07-12.

Conditions:
Imerslund-Grasbeck syndrome. Also called: PERNICIOUS ANEMIA, JUVENILE, DUE TO SELECTIVE INTESTINAL MALABSORPTION OF VITAMIN B12, WITH PROTEINURIA; Megaloblastic anemia due to inborn errors of metabolism; ENTEROCYTE COBALAMIN MALABSORPTION; ENTEROCYTE INTRINSIC FACTOR RECEPTOR, DEFECT OF; Imerslund-Gräsbeck syndrome. Identifiers: Orphanet 35858, MedGen C4551825, MONDO:0009853.
Proteinuria, chronic benign. Identifiers: MedGen C5394384, MONDO:0030042, OMIM 618884.
Imerslund-Grasbeck syndrome type 1 (IGS1). Also called: Imerslund-Gräsbeck syndrome 1; Megaloblastic anemia 1, Finnish type; MEGALOBLASTIC ANEMIA, 1. Identifiers: MedGen C4016819, MONDO:0100156, OMIM 261100.

Allele frequency attached by ClinVar (database versions not stated): gnomAD exomes 0.00001 and below 0.00001.
gnomAD v4.1: 6 of 1,613,952 alleles (0.00037%); highest among the groups gnomAD compares: Admixed American, 0.0083%; no homozygotes.

Submissions (2):

Labcorp Genetics (formerly Invitae), Labcorp
Classification: Uncertain significance for Imerslund-Grasbeck syndrome. Last evaluated: 2022-07-12. Review status: criteria provided, single submitter. Criteria: Invitae Variant Classification Sherloc (09022015). Collection method: clinical testing. Allele origin: germline.
Comment: In summary, the available evidence is currently insufficient to determine the role of this variant in disease. Therefore, it has been classified as a Variant of Uncertain Significance. Algorithms developed to predict the effect of missense changes on protein structure and function are either unavailable or do not agree on the potential impact of this missense change (SIFT: "Tolerated"; PolyPhen-2: "Possibly Damaging"; Align-GVGD: "Class C0"). ClinVar contains an entry for this variant (Variation ID: 1378907). This variant has not been reported in the literature in individuals affected with CUBN-related conditions. This variant is present in population databases (no rsID available, gnomAD 0.003%). This sequence change replaces glutamine, which is neutral and polar, with arginine, which is basic and polar, at codon 1645 of the CUBN protein (p.Gln1645Arg).

Fulgent Genetics
Classification: Uncertain significance for Imerslund-Grasbeck syndrome type 1; Proteinuria, chronic benign. Last evaluated: 2022-04-01. Review status: criteria provided, single submitter. Criteria: ACMG Guidelines, 2015. Collection method: clinical testing. Allele origin: unknown.

NM_001081.4(CUBN):c.4934A>G (p.Gln1645Arg)

Gene: CUBN (cubilin; minus strand). Cytogenetic location: 10p13.
Variant type: single nucleotide variant.
Coding change: c.4934A>G on transcript NM_001081.4 (MANE Select); coding-DNA position 4934, A replaced by G.
Protein change: p.Gln1645Arg; replaces glutamine 1645 with arginine.
Molecular consequence: missense variant.
Genome position (GRCh38, 1-based): chr10:16,952,311, T>C on the plus strand (A>G on the coding strand, the complement: CUBN is on the minus strand). VCF-style: chr10-16952311-T-C. GRCh37 (hg19) VCF-style: chr10-16994310-T-C.
Other names: short protein forms Q1645R.
Identifiers: ClinVar variation 1378907 (VCV001378907.7), dbSNP rs1243565121, ClinGen allele CA376162556.